The following is an entry in ClinVar:

ClinVar aggregate classification (germline): Uncertain significance (1 of 4 stars; one submission).

Conditions:
RASopathy. Also called: rasopathies; Noonan spectrum disorder. Identifiers: Orphanet 536391, MedGen C5555857, MONDO:0021060.

Allele frequency attached by ClinVar (database versions not stated): gnomAD exomes 0.00001 and 0.00003; ExAC 0.00005.
gnomAD v4.1: 22 of 1,592,200 alleles (0.0014%); highest among the groups gnomAD compares: Non-Finnish European, 0.0017%; no homozygotes.

Submission:

Labcorp Genetics (formerly Invitae), Labcorp
Classification: Uncertain significance for RASopathy. Last evaluated: 2025-09-30. Review status: criteria provided, single submitter. Criteria: Invitae Variant Classification Sherloc (09022015). Collection method: clinical testing. Allele origin: germline.
Comment: This sequence change replaces proline, which is neutral and non-polar, with leucine, which is neutral and non-polar, at codon 996 of the SOS1 protein (p.Pro996Leu). This variant is present in population databases (rs200747626, gnomAD 0.005%). This variant has not been reported in the literature in individuals affected with SOS1-related conditions. ClinVar contains an entry for this variant (Variation ID: 1419638). Invitae Evidence Modeling of protein sequence and biophysical properties (such as structural, functional, and spatial information, amino acid conservation, physicochemical variation, residue mobility, and thermodynamic stability) has been performed for this missense variant. However, the output from this modeling did not meet the statistical confidence thresholds required to predict the impact of this variant on SOS1 protein function. In summary, the available evidence is currently insufficient to determine the role of this variant in disease. Therefore, it has been classified as a Variant of Uncertain Significance.

NM_005633.4(SOS1):c.2987C>T (p.Pro996Leu)

Gene: SOS1 (SOS Ras/Rac guanine nucleotide exchange factor 1; minus strand). Cytogenetic location: 2p22.1.
Variant type: single nucleotide variant.
Coding change: c.2987C>T on transcript NM_005633.4 (MANE Select); coding-DNA position 2987, C replaced by T.
Protein change: p.Pro996Leu; replaces proline 996 with leucine.
Molecular consequence: missense variant.
Genome position (GRCh38, 1-based): chr2:38,997,016, G>A on the plus strand (C>T on the coding strand, the complement: SOS1 is on the minus strand). VCF-style: chr2-38997016-G-A. GRCh37 (hg19) VCF-style: chr2-39224157-G-A.
Other names: c.2966C>T, p.Pro989Leu (NM_001382394.1); c.2987C>T, p.Pro996Leu (NM_001382395.1); short protein forms P989L, P996L.
Identifiers: ClinVar variation 1419638 (VCV001419638.6), dbSNP rs200747626, ClinGen allele CA1624282.
Genomic context (GRCh38, chr2:38,997,016, plus strand): 5'-ATTTCTAGGGATTTGTTGAAAAGATAATCTGTAAATTCCTTCTCCATGCTATTTCCCATC[G>A]GATTCAAGTTTTCAAAGAACCTCTAAAATAAATGCAAAGAAAAAATTATTAATATTCAAA-3'
Protein context (NP_005624.2, residues 986-1006): DIKRFFENLN[Pro996Leu]MGNSMEKEFT